The following is an entry in ClinVar:

ClinVar aggregate classification (germline): Pathogenic (1 of 4 stars; one submission).

Allele frequency attached by ClinVar (database versions not stated): ExAC 0.00001; gnomAD 0.00003; TOPMed 0.00003; ESP Exome Variant Server 0.00008.
gnomAD v4.1: 42 of 1,612,848 alleles (0.0026%); highest among the groups gnomAD compares: Non-Finnish European, 0.0032%; no homozygotes.

Submission:

Ambry Genetics
Classification: Pathogenic. Last evaluated: 2022-07-21. Review status: criteria provided, single submitter. Criteria: Ambry Variant Classification Scheme 2023. Collection method: clinical testing. Allele origin: germline.
Comment: The c.2500A>T (p.K834*) alteration, located in exon 25 (coding exon 25) of the LARS gene, consists of a A to T substitution at nucleotide position 2500. This changes the amino acid from a lysine (K) to a stop codon at amino acid position 834. This alteration is expected to result in loss of function by premature protein truncation or nonsense-mediated mRNA decay. Based on data from gnomAD, the T allele has an overall frequency of <0.01% (11/281186) total alleles studied. The highest observed frequency was 0.01% (11/128578) of European (non-Finnish) alleles. Based on the available evidence, this alteration is classified as pathogenic.

NM_020117.11(LARS1):c.2500A>T (p.Lys834Ter)

Gene: LARS1 (leucyl-tRNA synthetase 1; minus strand). Cytogenetic location: 5q32.
Variant type: single nucleotide variant.
Coding change: c.2500A>T on transcript NM_020117.11 (MANE Select); coding-DNA position 2500, A replaced by T.
Protein change: p.Lys834Ter; replaces lysine 834 with a stop codon.
Molecular consequence: nonsense.
Genome position (GRCh38, 1-based): chr5:146,130,146, T>A on the plus strand (A>T on the coding strand, the complement: LARS1 is on the minus strand). VCF-style: chr5-146130146-T-A. GRCh37 (hg19) VCF-style: chr5-145509709-T-A.
Other names: c.2362A>T, p.Lys788Ter (NM_001317964.2); c.2338A>T, p.Lys780Ter (NM_001317965.2); c.2419A>T, p.Lys807Ter (NM_016460.4); short protein forms K834*, K788*, K780*, K807*.
Identifiers: ClinVar variation 3117894 (VCV003117894.1), dbSNP rs200351329, ClinGen allele CA324178.